The following is an entry in ClinVar:

NM_002161.6(IARS1):c.2439G>C (p.Leu813Phe)

Gene: IARS1 (isoleucyl-tRNA synthetase 1; minus strand). Cytogenetic location: 9q22.31.
Variant type: single nucleotide variant.
Coding change: c.2439G>C on transcript NM_002161.6 (MANE Select); coding-DNA position 2439, G replaced by C.
Protein change: p.Leu813Phe; replaces leucine 813 with phenylalanine.
Molecular consequence: missense variant. On other transcripts: non-coding transcript variant (1).
Genome position (GRCh38, 1-based): chr9:92,250,280, C>G on the plus strand (G>C on the coding strand, the complement: IARS1 is on the minus strand). VCF-style: chr9-92250280-C-G. GRCh37 (hg19) VCF-style: chr9-95012562-C-G.
Other names: c.2364G>C, p.Leu788Phe (NM_001374299.1, NM_001374300.1, NM_001378584.1); c.2355G>C, p.Leu785Phe (NM_001374301.1); c.2502G>C, p.Leu834Phe (NM_001378569.1); c.2460G>C, p.Leu820Phe (NM_001378571.1); c.2439G>C, p.Leu813Phe (NM_001378572.1, NM_001378573.1, NM_001378574.1 and 9 more transcripts); c.2343G>C, p.Leu781Phe (NM_001378582.1); c.2316G>C, p.Leu772Phe (NM_001378583.1); c.2439G>C (NM_013417.2); short protein forms L772F, L781F, L785F, L788F, L813F, L820F, L834F.
Identifiers: ClinVar variation 1310146 (VCV001310146.3), dbSNP rs755090634, ClinGen allele CA5122201.

ClinVar aggregate classification (germline): Uncertain significance. Review status: criteria provided, multiple submitters, no conflicts (2 of 4 stars). 2 submissions from 2 submitters: Uncertain significance (2). Last evaluated 2024-12-04.

Allele frequency attached by ClinVar (database versions not stated): gnomAD 0.00001; gnomAD exomes 0.00001; ExAC 0.00002; TOPMed 0.00002.
gnomAD v4.1: 8 of 1,593,328 alleles (0.0005%); highest among the groups gnomAD compares: Non-Finnish European, 0.00069%; no homozygotes.

Submissions (2):

Ambry Genetics
Classification: Uncertain significance. Last evaluated: 2024-12-04. Review status: criteria provided, single submitter. Criteria: Ambry Variant Classification Scheme 2023. Collection method: clinical testing. Allele origin: germline.

GeneDx
Classification: Uncertain significance. Last evaluated: 2019-09-09. Review status: criteria provided, single submitter. Criteria: GeneDx Variant Classification Process June 2021. Collection method: clinical testing. Allele origin: germline. Affected: yes.
Comment: In silico analysis, which includes protein predictors and evolutionary conservation, supports a deleterious effect; Not observed at a significant frequency in large population cohorts (Lek et al., 2016); Has not been previously published as pathogenic or benign to our knowledge